The following is an entry in ClinVar:

ClinVar aggregate classification (germline): Conflicting classifications of pathogenicity. Review status: criteria provided, conflicting classifications (1 of 4 stars). 2 submissions from 2 submitters: Uncertain significance (1); Likely benign (1). Last evaluated 2024-11-12.

Submissions (2):

Quest Diagnostics Nichols Institute San Juan Capistrano
Classification: Uncertain significance. Last evaluated: 2024-11-12. Review status: criteria provided, single submitter. Criteria: Quest Diagnostics criteria. Collection method: clinical testing. Allele origin: unknown.
Comment: The HBA2 c.337C>A (p.His113Asn) variant has been reported to have normal stability. Individuals with are heterozygous for this variant are clinically normal (HbVar). This variant has not been reported in large, multi-ethnic general populations (Genome Aggregation Database). Analysis of this variant using bioinformatics tools for the prediction of the effect of amino acid changes on protein structure and function yielded predictions that this variant is benign. Based on the available information, we are unable to determine the clinical significance of this variant.

ARUP Laboratories, Molecular Genetics and Genomics, ARUP Laboratories
Classification: Likely benign. Last evaluated: 2024-10-23. Review status: criteria provided, single submitter. Criteria: ARUP Molecular Germline Variant Investigation Process 2024. Collection method: clinical testing. Allele origin: germline.
Comment: The Hb Royal Oak variant (HBA2: c.337C>A; p.His113Asn also known as His112Asn when numbered from the mature protein, rs281864885, HbVar ID:2762) is not reported in the medical literature but is reported in the HbVar database in a hematologically normal mother and daughter in the heterozygous state (see HbVar database). This variant is absent from the Genome Aggregation Database (v2.1.1), indicating it is not a common polymorphism. Computational analyses are uncertain whether this variant is neutral or deleterious (REVEL: 0.45). Based on available information, this variant is considered to be likely benign. References: Link to HbVar database

NM_000517.6(HBA2):c.337C>A (p.His113Asn)

Genes: HBA2 (hemoglobin subunit alpha 2; plus strand), LOC106804612 (hemoglobin subunit alpha 2 recombination region; plus strand). Cytogenetic location: 16p13.3.
Variant type: single nucleotide variant.
Coding change: c.337C>A on transcript NM_000517.6 (MANE Select); coding-DNA position 337, C replaced by A.
Protein change: p.His113Asn; replaces histidine 113 with asparagine.
Molecular consequence: missense variant.
Genome position (GRCh38, 1-based): chr16:173,508, C>A. VCF-style: chr16-173508-C-A. GRCh37 (hg19) VCF-style: chr16-223507-C-A.
Other names: short protein forms H113N.
Identifiers: ClinVar variation 3572112 (VCV003572112.2).